The following is an entry in ClinVar:

ClinVar aggregate classification (germline): Likely pathogenic (1 of 4 stars; one submission).

Conditions:
Nemaline myopathy 2 (NEM2). Also called: Nemaline myopathy 2, autosomal recessive. Identifiers: MedGen C1850569, MONDO:0009725, OMIM 256030.

Submission:

Natera, Inc.
Classification: Likely pathogenic for Nemaline myopathy type 2. Last evaluated: 2024-08-08. Review status: criteria provided, single submitter. Criteria: Natera Variant Classification Schema (03/2026). Collection method: clinical testing. Allele origin: germline.
Comment: The c.12331del variant in NEB is a frameshift variant predicted to shift the reading frame beginning at codon 4111 and leads to a stop codon 23 codons downstream. This variant is expected to result in nonsense mediated decay, truncation, or a dysfunctional protein product. This variant is rare in the general population with a frequency below the threshold expected for the associated phenotype(s). Given the available evidence, this variant is classified as Likely Pathogenic.

NM_001164508.2(NEB):c.12331del (p.Ser4111fs)

Gene: NEB (nebulin; minus strand). Cytogenetic location: 2q23.3.
Variant type: Deletion.
Coding change: c.12331del on transcript NM_001164508.2 (MANE Select); coding-DNA position 12331, one base deleted (A; older notation c.12331delA).
Protein change: p.Ser4111fs; shifts the reading frame from serine 4111.
Molecular consequence: frameshift variant. On other transcripts: intron variant (1).
Genome position (GRCh38, 1-based): chr2:151,608,676, T deleted on the plus strand (A on the coding strand, the reverse complement: NEB is on the minus strand). VCF-style (leftmost placement, unchanged base first): chr2-151608675-CT-C. GRCh37 (hg19) VCF-style: chr2-152465189-CT-C.
Other names: c.12331del, p.Ser4111fs (NM_001164507.2, NM_001271208.2); c.12331delA, p.Ser4111Valfs (NM_001271208.1); c.11601+1133del (NM_004543.5); short protein forms S4111fs.
Identifiers: ClinVar variation 4814711 (VCV004814711.1).